The following is an entry in ClinVar:

NM_000426.4(LAMA2):c.2451-6A>G

Gene: LAMA2 (laminin subunit alpha 2; plus strand). Cytogenetic location: 6q22.33.
Variant type: single nucleotide variant.
Coding change: c.2451-6A>G on transcript NM_000426.4 (MANE Select); 6 bases into the intron before coding-DNA position 2451, A replaced by G.
Molecular consequence: intron variant.
Genome position (GRCh38, 1-based): chr6:129,280,055, A>G. VCF-style: chr6-129280055-A-G. GRCh37 (hg19) VCF-style: chr6-129601200-A-G.
Other names: c.2451-6A>G (NM_001079823.2).
Identifiers: ClinVar variation 554242 (VCV000554242.6), dbSNP rs896691971, ClinGen allele CA146885219.
Genomic context (GRCh38, chr6:129,280,055, plus strand): 5'-AAATGCTAATGACTTTGTGTATGTCCTTCTTCCTTGTCCCTGTTTTCCGCAACAACATCA[A>G]CATAGCTTTAGCCCAACGTGCCATTTAGACCGGAGTCTTGGATTGATCTGTGATGGATGC-3'

ClinVar aggregate classification (germline): Uncertain significance. Review status: criteria provided, single submitter (1 of 4 stars). 2 submissions from 2 submitters: Uncertain significance (1). 1 of the submissions does not count toward it. Last evaluated 2022-07-25.

Conditions:
Merosin deficient congenital muscular dystrophy (MDC1A). Also called: Congenital Muscular Dystrophy Type 1A (MDC1A); Congenital merosin-deficient muscular dystrophy 1A. Identifiers: Orphanet 258, MedGen C1263858, MONDO:0011925, OMIM 607855.
LAMA2-related muscular dystrophy (LAMA2-RD). Also called: Laminin alpha 2-related dystrophy. Identifiers: MedGen C5679788, MONDO:0100228.

Allele frequency attached by ClinVar (database versions not stated): gnomAD exomes below 0.00001 and 0.00001; gnomAD 0.00001; TOPMed 0.00002.
gnomAD v4.1: 4 of 1,605,358 alleles (0.00025%); highest among the groups gnomAD compares: East Asian, 0.0045%; no homozygotes.

Submissions (2):

Labcorp Genetics (formerly Invitae), Labcorp
Classification: Uncertain significance for LAMA2-related muscular dystrophy. Last evaluated: 2022-07-25. Review status: criteria provided, single submitter. Criteria: Invitae Variant Classification Sherloc (09022015). Collection method: clinical testing. Allele origin: germline.
Comment: This sequence change falls in intron 17 of the LAMA2 gene. It does not directly change the encoded amino acid sequence of the LAMA2 protein. This variant is present in population databases (no rsID available, gnomAD 0.01%). This variant has been observed in individual(s) with congenital muscular dystrophy (PMID: 28182637). ClinVar contains an entry for this variant (Variation ID: 554242). Algorithms developed to predict the effect of sequence changes on RNA splicing suggest that this variant may disrupt the consensus splice site. In summary, the available evidence is currently insufficient to determine the role of this variant in disease. Therefore, it has been classified as a Variant of Uncertain Significance.

Counsyl
Classification: Uncertain significance for Merosin deficient congenital muscular dystrophy. Last evaluated: 2017-10-04. Review status: no assertion criteria provided. Collection method: clinical testing. Allele origin: unknown. Not counted in ClinVar's aggregate classification.

Literature cited by the submitters: PubMed 28182637 (cited by Labcorp Genetics (formerly Invitae), Labcorp and Counsyl).